The following is an entry in ClinVar:

NM_003060.4(SLC22A5):c.850C>T (p.Leu284Phe)

Gene: SLC22A5 (solute carrier family 22 member 5; plus strand). Cytogenetic location: 5q31.1.
Variant type: single nucleotide variant.
Coding change: c.850C>T on transcript NM_003060.4 (MANE Select); coding-DNA position 850, C replaced by T.
Protein change: p.Leu284Phe; replaces leucine 284 with phenylalanine.
Molecular consequence: missense variant.
Genome position (GRCh38, 1-based): chr5:132,387,050, C>T. VCF-style: chr5-132387050-C-T. GRCh37 (hg19) VCF-style: chr5-131722742-C-T.
Other names: p.Leu284Phe; c.922C>T, p.Leu308Phe (NM_001308122.2); short protein forms L284F, L308F.
Identifiers: ClinVar variation 1063923 (VCV001063923.13), dbSNP rs150278881, ClinGen allele CA3404000.
Genomic context (GRCh38, chr5:132,387,050, plus strand): 5'-GGAGGCCTCACTGAGATTGGACCTTGTACTGCCAGGTTCATCCCTGAGTCCCCCCGATGG[C>T]TCATCTCTCAGGGACGATTTGAAGAGGCAGAGGTGATCATCCGCAAGGCTGCCAAAGCCA-3'
Protein context (NP_003051.1, residues 274-294): WWFIPESPRW[Leu284Phe]ISQGRFEEAE

ClinVar aggregate classification (germline): Uncertain significance. Review status: criteria provided, multiple submitters, no conflicts (2 of 4 stars). 3 submissions from 3 submitters: Uncertain significance (2). 1 of the submissions does not count toward it. Last evaluated 2024-11-11.

Conditions:
Decreased circulating carnitine concentration. Also called: Decreased plasma carnitine. Identifiers: MedGen C5848230, HP:0003234.
Renal carnitine transport defect (CDSP). Also called: Systemic primary carnitine deficiency disease; CARNITINE DEFICIENCY, SYSTEMIC, DUE TO DEFECT IN RENAL REABSORPTION OF CARNITINE; CARNITINE TRANSPORTER, PLASMA-MEMBRANE, DEFICIENCY OF; CARNITINE UPTAKE DEFECT; Carnitine transporter deficiency; Carnitine Deficiency, Systemic. Identifiers: Orphanet 158, MedGen C0342788, MONDO:0008919, OMIM 212140.

Allele frequency attached by ClinVar (database versions not stated): gnomAD exomes below 0.00001 and 0.00001; gnomAD 0.00001 and 0.00002; ExAC 0.00002; ESP Exome Variant Server 0.00008; 1000 Genomes Project 30x 0.00031; 1000 Genomes Project 0.00040.
gnomAD v4.1: 8 of 1,614,140 alleles (0.0005%); highest among the groups gnomAD compares: African/African-American, 0.008%; no homozygotes.

Submissions (3):

Labcorp Genetics (formerly Invitae), Labcorp
Classification: Uncertain significance for Renal carnitine transport defect. Last evaluated: 2024-11-11. Review status: criteria provided, single submitter. Criteria: Invitae Variant Classification Sherloc (09022015). Collection method: clinical testing. Allele origin: germline.
Comment: This sequence change replaces leucine, which is neutral and non-polar, with phenylalanine, which is neutral and non-polar, at codon 284 of the SLC22A5 protein (p.Leu284Phe). This variant is present in population databases (rs150278881, gnomAD 0.007%). This variant has not been reported in the literature in individuals affected with SLC22A5-related conditions. ClinVar contains an entry for this variant (Variation ID: 1063923). Invitae Evidence Modeling of protein sequence and biophysical properties (such as structural, functional, and spatial information, amino acid conservation, physicochemical variation, residue mobility, and thermodynamic stability) indicates that this missense variant is expected to disrupt SLC22A5 protein function with a positive predictive value of 95%. In summary, the available evidence is currently insufficient to determine the role of this variant in disease. Therefore, it has been classified as a Variant of Uncertain Significance.

Giacomini Lab, University of California, San Francisco
Classification: Uncertain significance for Renal carnitine transport defect. Last evaluated: 2022-10-03. Review status: criteria provided, single submitter. Criteria: ACMG Guidelines, 2015. Collection method: research, in vitro. Allele origin: germline, not applicable.

Natera, Inc.
Classification: Uncertain significance for Carnitine deficiency. Last evaluated: 2021-04-07. Review status: no assertion criteria provided. Collection method: clinical testing. Allele origin: germline. Not counted in ClinVar's aggregate classification.